The following is an entry in ClinVar:

NM_002541.4(OGDH):c.2145G>A (p.Val715=)

Gene: OGDH (oxoglutarate dehydrogenase; plus strand). Cytogenetic location: 7p13.
Variant type: single nucleotide variant.
Coding change: c.2145G>A on transcript NM_002541.4 (MANE Select); coding-DNA position 2145, G replaced by A.
Protein change: p.Val715=; no amino-acid change (valine 715 retained).
Molecular consequence: synonymous variant.
Genome position (GRCh38, 1-based): chr7:44,697,463, G>A. VCF-style: chr7-44697463-G-A. GRCh37 (hg19) VCF-style: chr7-44737062-G-A.
Other names: c.2133G>A, p.Val711= (NM_001165036.2); c.2178G>A, p.Val726= (NM_001363523.2); c.2178G>A (NM_001363523.1).
Identifiers: ClinVar variation 2046041 (VCV002046041.6), dbSNP rs144282315, ClinGen allele CA4244028.

ClinVar aggregate classification (germline): Benign. Review status: criteria provided, single submitter (1 of 4 stars). 2 submissions from 2 submitters: Benign (1). 1 of the submissions does not count toward it. Last evaluated 2025-08-29.

Conditions:
OGDH-related disorder. Also called: OGDH-related condition.
Oxoglutaricaciduria. Identifiers: Orphanet 31, MedGen C2752074, MONDO:0008759, OMIM 203740.

Allele frequency attached by ClinVar (database versions not stated): gnomAD exomes 0.00009; ExAC 0.00036; gnomAD 0.00126; TOPMed 0.00127; ESP Exome Variant Server 0.00138; 1000 Genomes Project 30x 0.00172; 1000 Genomes Project 0.00200.
gnomAD v4.1: 328 of 1,614,180 alleles (0.02%); highest among the groups gnomAD compares: African/African-American, 0.38%; no homozygotes.

Submissions (2):

Labcorp Genetics (formerly Invitae), Labcorp
Classification: Benign for Oxoglutaricaciduria. Last evaluated: 2025-08-29. Review status: criteria provided, single submitter. Criteria: Invitae Variant Classification Sherloc (09022015). Collection method: clinical testing. Allele origin: germline.

PreventionGenetics, part of Exact Sciences
Classification: Likely benign for OGDH-related condition. Last evaluated: 2022-04-15. Review status: no assertion criteria provided. Collection method: clinical testing. Allele origin: germline. Not counted in ClinVar's aggregate classification.
Comment: This variant is classified as likely benign based on ACMG/AMP sequence variant interpretation guidelines (Richards et al. 2015 PMID: 25741868, with internal and published modifications).